The following is an entry in ClinVar:

ClinVar aggregate classification (germline): Benign (1 of 4 stars; one submission).

Conditions:
Fleck corneal dystrophy (CFD). Also called: CORNEAL DYSTROPHY, FRANCOIS-NEETENS SPECKLED OR FLECKED. Identifiers: Orphanet 98970, MedGen C1562113, MONDO:0007376, OMIM 121850.

Allele frequency attached by ClinVar (database versions not stated): TOPMed 0.03339; 1000 Genomes Project 30x 0.05231; 1000 Genomes Project 0.05292.

Submission:

Illumina Laboratory Services, Illumina
Classification: Benign for Fleck corneal dystrophy. Last evaluated: 2018-01-13. Review status: criteria provided, single submitter. Criteria: ICSL Variant Classification Criteria 13 December 2019. Collection method: clinical testing. Allele origin: germline.
Comment: This variant was observed in the ICSL laboratory as part of a predisposition screen in an ostensibly healthy population. It had not been previously curated by ICSL or reported in the Human Gene Mutation Database (HGMD: prior to June 1st, 2018), and was therefore a candidate for classification through an automated scoring system. Utilizing variant allele frequency, disease prevalence and penetrance estimates, and inheritance mode, an automated score was calculated to assess if this variant is too frequent to cause the disease. Based on the score and internal cut-off values, a variant classified as benign is not then subjected to further curation. The score for this variant resulted in a classification of benign for this disease.

NM_015040.4(PIKFYVE):c.*2549G>A

Gene: PIKFYVE (phosphoinositide kinase, FYVE-type zinc finger containing; plus strand). Cytogenetic location: 2q34.
Variant type: single nucleotide variant.
Coding change: c.*2549G>A on transcript NM_015040.4 (MANE Select); 2549 bases downstream of the stop codon, G replaced by A.
Molecular consequence: 3 prime UTR variant.
Genome position (GRCh38, 1-based): chr2:208,357,854, G>A. VCF-style: chr2-208357854-G-A. GRCh37 (hg19) VCF-style: chr2-209222578-G-A.
Identifiers: ClinVar variation 333974 (VCV000333974.5), dbSNP rs16841092, ClinGen allele CA10612653.